The following is an entry in ClinVar:

NM_001355436.2(SPTB):c.2553C>A (p.Tyr851Ter)

Gene: SPTB (spectrin beta, erythrocytic; minus strand). Cytogenetic location: 14q23.3.
Variant type: single nucleotide variant.
Coding change: c.2553C>A on transcript NM_001355436.2 (MANE Select); coding-DNA position 2553, C replaced by A.
Protein change: p.Tyr851Ter; replaces tyrosine 851 with a stop codon.
Molecular consequence: nonsense.
Genome position (GRCh38, 1-based): chr14:64,793,110, G>T on the plus strand (C>A on the coding strand, the complement: SPTB is on the minus strand). VCF-style: chr14-64793110-G-T. GRCh37 (hg19) VCF-style: chr14-65259828-G-T.
Other names: c.2553C>A, p.Tyr851Ter (NM_001024858.4, NM_001355437.2); short protein forms Y851*.
Identifiers: ClinVar variation 4722654 (VCV004722654.1).

ClinVar aggregate classification (germline): Pathogenic (1 of 4 stars; one submission).

Submission:

Labcorp Genetics (formerly Invitae), Labcorp
Classification: Pathogenic. Last evaluated: 2025-10-08. Review status: criteria provided, single submitter. Criteria: Invitae Variant Classification Sherloc (09022015). Collection method: clinical testing. Allele origin: germline.
Comment: This sequence change creates a premature translational stop signal (p.Tyr851*) in the SPTB gene. It is expected to result in an absent or disrupted protein product. Loss-of-function variants in SPTB are known to be pathogenic (PMID: 1391962, 1498324, 8844207, 26830532, 27292444). This variant is not present in population databases (gnomAD no frequency). This variant has not been reported in the literature in individuals affected with SPTB-related conditions. For these reasons, this variant has been classified as Pathogenic.

Literature cited by the submitters: PubMed 1391962; PubMed 1498324; PubMed 8844207; PubMed 26830532; PubMed 27292444.